The following is an entry in ClinVar:

ClinVar aggregate classification (germline): Uncertain significance (1 of 4 stars; one submission).

Conditions:
Alagille syndrome due to a JAG1 point mutation. Also called: JAG1-Related Alagille Syndrome; Alagille Syndrome 1; HEPATIC DUCTULAR HYPOPLASIA, SYNDROMATIC. Identifiers: Orphanet 261619, Orphanet 52, MedGen C1956125, MONDO:0016862, OMIM 118450.

Submission:

Labcorp Genetics (formerly Invitae), Labcorp
Classification: Uncertain significance for Alagille syndrome due to a JAG1 point mutation. Last evaluated: 2024-10-29. Review status: criteria provided, single submitter. Criteria: Invitae Variant Classification Sherloc (09022015). Collection method: clinical testing. Allele origin: germline.
Comment: This sequence change replaces serine, which is neutral and polar, with leucine, which is neutral and non-polar, at codon 997 of the JAG1 protein (p.Ser997Leu). This variant is not present in population databases (gnomAD no frequency). This variant has not been reported in the literature in individuals affected with JAG1-related conditions. Invitae Evidence Modeling of protein sequence and biophysical properties (such as structural, functional, and spatial information, amino acid conservation, physicochemical variation, residue mobility, and thermodynamic stability) indicates that this missense variant is not expected to disrupt JAG1 protein function with a negative predictive value of 95%. In summary, the available evidence is currently insufficient to determine the role of this variant in disease. Therefore, it has been classified as a Variant of Uncertain Significance.

NM_000214.3(JAG1):c.2990C>T (p.Ser997Leu)

Gene: JAG1 (jagged canonical Notch ligand 1; minus strand). Cytogenetic location: 20p12.2.
Variant type: single nucleotide variant.
Coding change: c.2990C>T on transcript NM_000214.3 (MANE Select); coding-DNA position 2990, C replaced by T.
Protein change: p.Ser997Leu; replaces serine 997 with leucine.
Molecular consequence: missense variant.
Genome position (GRCh38, 1-based): chr20:10,641,171, G>A on the plus strand (C>T on the coding strand, the complement: JAG1 is on the minus strand). VCF-style: chr20-10641171-G-A. GRCh37 (hg19) VCF-style: chr20-10621819-G-A.
Other names: short protein forms S997L.
Identifiers: ClinVar variation 2852505 (VCV002852505.3), dbSNP rs2067268487, ClinGen allele CA408244505.